The following is an entry in ClinVar:

ClinVar aggregate classification (germline): Uncertain significance. Review status: criteria provided, multiple submitters, no conflicts (2 of 4 stars). 5 submissions from 5 submitters: Uncertain significance (5). Last evaluated 2025-11-15.

Allele frequency attached by ClinVar (database versions not stated): gnomAD 0.00003 and 0.00004; gnomAD exomes 0.00005 and 0.00010; TOPMed 0.00005; ESP Exome Variant Server 0.00008; ExAC 0.00012.
gnomAD v4.1: 74 of 1,613,630 alleles (0.0046%); highest among the groups gnomAD compares: South Asian, 0.049%; no homozygotes.

Submissions (5):

Labcorp Genetics (formerly Invitae), Labcorp
Classification: Uncertain significance. Last evaluated: 2025-11-15. Review status: criteria provided, single submitter. Criteria: Invitae Variant Classification Sherloc (09022015). Collection method: clinical testing. Allele origin: germline.
Comment: This sequence change creates a premature translational stop signal (p.Arg689*) in the SAMD9L gene. While this is not anticipated to result in nonsense mediated decay, it is expected to disrupt the last 896 amino acid(s) of the SAMD9L protein. This variant is present in population databases (rs369074740, gnomAD 0.07%), and has an allele count higher than expected for a pathogenic variant. This variant has not been reported in the literature in individuals affected with SAMD9L-related conditions. ClinVar contains an entry for this variant (Variation ID: 810130). Experimental studies and prediction algorithms are not available or were not evaluated, and the functional significance of this variant is currently unknown. In summary, the available evidence is currently insufficient to determine the role of this variant in disease. Therefore, it has been classified as a Variant of Uncertain Significance.

GeneDx
Classification: Uncertain significance. Last evaluated: 2025-04-04. Review status: criteria provided, single submitter. Criteria: GeneDx Variant Classification Process June 2021. Collection method: clinical testing. Allele origin: germline.
Comment: Has not been previously published as pathogenic or benign to our knowledge; Nonsense variant predicted to result in protein truncation as the last 689 amino acids are lost with an unclear effect on protein function; This variant is associated with the following publications: (PMID: 33724365)

Mayo Clinic Laboratories, Mayo Clinic
Classification: Uncertain significance. Last evaluated: 2024-04-25. Review status: criteria provided, single submitter. Criteria: ACMG Guidelines, 2015. Collection method: clinical testing. Allele origin: germline. Observed: 1 variant allele.
Comment: BS2

Genetic Services Laboratory, University of Chicago
Classification: Uncertain significance. Last evaluated: 2018-12-06. Review status: criteria provided, single submitter. Criteria: ACMG Guidelines, 2015. Collection method: clinical testing. Allele origin: germline. Affected: no.

CeGaT Center for Human Genetics Tuebingen
Classification: Uncertain significance. Last evaluated: 2018-08-01. Review status: criteria provided, single submitter. Criteria: CeGaT Center For Human Genetics Tuebingen Variant Classification Criteria Version 2. Collection method: clinical testing. Allele origin: germline. Affected: yes. Observed: 1 variant allele.

Literature cited by the submitters: PubMed 33724365 (cited by Mayo Clinic Laboratories, Mayo Clinic).

NM_152703.5(SAMD9L):c.2065C>T (p.Arg689Ter)

Gene: SAMD9L (sterile alpha motif domain containing 9 like; minus strand). Cytogenetic location: 7q21.2.
Variant type: single nucleotide variant.
Coding change: c.2065C>T on transcript NM_152703.5 (MANE Select); coding-DNA position 2065, C replaced by T.
Protein change: p.Arg689Ter; replaces arginine 689 with a stop codon.
Molecular consequence: nonsense.
Genome position (GRCh38, 1-based): chr7:93,133,907, G>A on the plus strand (C>T on the coding strand, the complement: SAMD9L is on the minus strand). VCF-style: chr7-93133907-G-A. GRCh37 (hg19) VCF-style: chr7-92763220-G-A.
Other names: p.Arg689*; c.2065C>T (NM_152703.3); c.2065C>T, p.Arg689Ter (NM_001303496.3, NM_001303497.3, NM_001303498.3 and 5 more transcripts); short protein forms R689*.
Identifiers: ClinVar variation 810130 (VCV000810130.53), dbSNP rs369074740, ClinGen allele CA4343641.
Genomic context (GRCh38, chr7:93,133,907, plus strand): 5'-AATCTGAAGAATAGTTTTCAGAAGAAAAATAGAAGTTCCACCAGGATACTTTGCCACCTC[G>A]ATAAAAGTGTTCTTCTTTTGATTTCTTAAACTCCAGGAATTTAGATTTGTCTTTCTCGAT-3'